The following is an entry in ClinVar:

NM_021625.5(TRPV4):c.300G>A (p.Lys100=)

Gene: TRPV4 (transient receptor potential cation channel subfamily V member 4; minus strand). Cytogenetic location: 12q24.11.
Variant type: single nucleotide variant.
Coding change: c.300G>A on transcript NM_021625.5 (MANE Select); coding-DNA position 300, G replaced by A.
Protein change: p.Lys100=; no amino-acid change (lysine 100 retained).
Molecular consequence: synonymous variant.
Genome position (GRCh38, 1-based): chr12:109,814,497, C>T on the plus strand (G>A on the coding strand, the complement: TRPV4 is on the minus strand). VCF-style: chr12-109814497-C-T. GRCh37 (hg19) VCF-style: chr12-110252302-C-T.
Other names: c.300G>A, p.Lys100= (NM_147204.3, NM_001177428.2, NM_001177433.2); c.198G>A, p.Lys66= (NM_001177431.2).
Identifiers: ClinVar variation 415541 (VCV000415541.14), dbSNP rs370135765, ClinGen allele CA6780582.

ClinVar aggregate classification (germline): Conflicting classifications of pathogenicity. Review status: criteria provided, conflicting classifications (1 of 4 stars). 4 submissions from 4 submitters: Uncertain significance (1); Likely benign (3). Last evaluated 2025-11-18.

Conditions:
Inborn genetic diseases. Identifiers: MedGen C0950123, MeSH D030342.
Connective tissue disorder. Also called: Connective tissue disease. Identifiers: MedGen C0009782, MONDO:0003900.
Charcot-Marie-Tooth disease axonal type 2C (HMSN2C). Also called: Charcot-Marie-Tooth Disease Type 2, TRPV4-Related (CMT2C); CHARCOT-MARIE-TOOTH DISEASE, AXONAL, AUTOSOMAL DOMINANT, TYPE 2C; Charcot-Marie-Tooth Neuropathy Type 2C. Identifiers: Orphanet 99937, MedGen C1853710, MONDO:0011633, OMIM 606071.

Allele frequency attached by ClinVar (database versions not stated): ExAC 0.00001; gnomAD 0.00001; gnomAD exomes 0.00002 and 0.00004; TOPMed 0.00007; ESP Exome Variant Server 0.00008.
gnomAD v4.1: 60 of 1,613,934 alleles (0.0037%); highest among the groups gnomAD compares: Admixed American, 0.0083%; no homozygotes.

Submissions (4):

Labcorp Genetics (formerly Invitae), Labcorp
Classification: Likely benign for Charcot-Marie-Tooth disease axonal type 2C. Last evaluated: 2025-11-18. Review status: criteria provided, single submitter. Criteria: Invitae Variant Classification Sherloc (09022015). Collection method: clinical testing. Allele origin: germline.

Genome Diagnostics Laboratory, The Hospital for Sick Children
Classification: Uncertain significance for Connective tissue disorder. Last evaluated: 2019-08-01. Review status: criteria provided, single submitter. Criteria: ACMG Guidelines, 2015. Collection method: clinical testing. Allele origin: germline.

Ambry Genetics
Classification: Likely benign for Inborn genetic diseases. Last evaluated: 2019-07-11. Review status: criteria provided, single submitter. Criteria: Ambry Variant Classification Scheme 2023. Collection method: clinical testing. Allele origin: germline.

GeneDx
Classification: Likely benign. Last evaluated: 2017-08-04. Review status: criteria provided, single submitter. Criteria: GeneDx Variant Classification (06012015). Collection method: clinical testing. Allele origin: germline. Affected: yes.
Comment: This variant is considered likely benign or benign based on one or more of the following criteria: it is a conservative change, it occurs at a poorly conserved position in the protein, it is predicted to be benign by multiple in silico algorithms, and/or has population frequency not consistent with disease.